The following is an entry in ClinVar:

NM_002875.5(RAD51):c.625G>A (p.Ala209Thr)

Gene: RAD51 (RAD51 recombinase; plus strand). Cytogenetic location: 15q15.1.
Variant type: single nucleotide variant.
Coding change: c.625G>A on transcript NM_002875.5 (MANE Select); coding-DNA position 625, G replaced by A.
Protein change: p.Ala209Thr; replaces alanine 209 with threonine.
Molecular consequence: missense variant.
Genome position (GRCh38, 1-based): chr15:40,728,805, G>A. VCF-style: chr15-40728805-G-A. GRCh37 (hg19) VCF-style: chr15-41021003-G-A.
Other names: c.628G>A, p.Ala210Thr (NM_001164269.2, NM_133487.4); c.625G>A, p.Ala209Thr (NM_001164270.2); short protein forms A210T, A209T.
Identifiers: ClinVar variation 1752490 (VCV001752490.5), dbSNP rs1470830931, ClinGen allele CA391757456.

ClinVar aggregate classification (germline): Uncertain significance. Review status: criteria provided, multiple submitters, no conflicts (2 of 4 stars). 2 submissions from 2 submitters: Uncertain significance (2). Last evaluated 2025-04-07.

Conditions:
Inborn genetic diseases. Identifiers: MedGen C0950123, MeSH D030342.

Allele frequency attached by ClinVar (database versions not stated): TOPMed 0.00001; gnomAD 0.00001.
gnomAD v4.1: 2 of 1,612,948 alleles (0.00012%); highest among the groups gnomAD compares: African/African-American, 0.0027%; no homozygotes.

Submissions (2):

Labcorp Genetics (formerly Invitae), Labcorp
Classification: Uncertain significance. Last evaluated: 2025-04-07. Review status: criteria provided, single submitter. Criteria: Invitae Variant Classification Sherloc (09022015). Collection method: clinical testing. Allele origin: germline.
Comment: This sequence change replaces alanine, which is neutral and non-polar, with threonine, which is neutral and polar, at codon 209 of the RAD51 protein (p.Ala209Thr). This variant is present in population databases (no rsID available, gnomAD 0.01%). This variant has not been reported in the literature in individuals affected with RAD51-related conditions. ClinVar contains an entry for this variant (Variation ID: 1752490). An algorithm developed to predict the effect of missense changes on protein structure and function (PolyPhen-2) suggests that this variant is likely to be disruptive. In summary, the available evidence is currently insufficient to determine the role of this variant in disease. Therefore, it has been classified as a Variant of Uncertain Significance.

Ambry Genetics
Classification: Uncertain significance for Inborn genetic diseases. Last evaluated: 2024-08-26. Review status: criteria provided, single submitter. Criteria: Ambry Variant Classification Scheme 2023. Collection method: clinical testing. Allele origin: germline.
Comment: The p.A209T variant (also known as c.625G>A), located in coding exon 6 of the RAD51 gene, results from a G to A substitution at nucleotide position 625. The alanine at codon 209 is replaced by threonine, an amino acid with similar properties. This amino acid position is conserved. In addition, the in silico prediction for this alteration is inconclusive. Since supporting evidence is limited at this time, the clinical significance of this alteration remains unclear.